The following is an entry in ClinVar:

ClinVar aggregate classification (germline): Conflicting classifications of pathogenicity. Review status: criteria provided, conflicting classifications (1 of 4 stars). 4 submissions from 4 submitters: Uncertain significance (3); Likely benign (1). Last evaluated 2024-12-13.

Conditions:
Hereditary cancer-predisposing syndrome. Also called: Tumor predisposition; Hereditary Cancer Syndrome; Hereditary neoplastic syndrome; Neoplastic Syndromes, Hereditary. Identifiers: Orphanet 140162, MedGen C0027672, MeSH D009386, MONDO:0015356.
Hereditary breast ovarian cancer syndrome. Also called: Breast and ovarian cancer; Hereditary breast and ovarian cancer; Hereditary breast and/or ovarian cancer syndrome; BRCA1- and BRCA2-Associated Hereditary Breast and Ovarian Cancer; Hereditary breast and ovarian cancer syndrome (HBOC); Hereditary breast and ovarian cancer syndrome. Identifiers: Orphanet 145, MedGen C0677776, MeSH D061325, MONDO:0003582. Disease mechanism: loss of function.

gnomAD v4.1: 1 of 1,612,798 alleles (0.000062%); highest among the groups gnomAD compares: African/African-American, 0.0013%; no homozygotes.

Submissions (4):

Ambry Genetics
Classification: Uncertain significance for Hereditary cancer-predisposing syndrome. Last evaluated: 2024-12-13. Review status: criteria provided, single submitter. Criteria: Ambry Variant Classification Scheme 2023. Collection method: clinical testing. Allele origin: germline.
Comment: The p.D2218H variant (also known as c.6652G>C), located in coding exon 10 of the BRCA2 gene, results from a G to C substitution at nucleotide position 6652. The aspartic acid at codon 2218 is replaced by histidine, an amino acid with similar properties. This variant was not reported in population based cohorts in the following databases: Database of Single Nucleotide Polymorphisms (dbSNP), NHLBI Exome Sequencing Project (ESP), and 1000 Genomes Project. In the ESP, this variant was not observed in 6503 samples (13006 alleles) with coverage at this position. To date, this alteration has been detected with an allele frequency of approximately 0.0003% (greater than 300000 alleles tested) in our clinical cohort. This amino acid position is not well conserved in available vertebrate species. In addition, the in silico prediction for this alteration is inconclusive. Since supporting evidence is limited at this time, the clinical significance of this alteration remains unclear.

University of Washington Department of Laboratory Medicine, University of Washington
Classification: Likely benign for Hereditary cancer-predisposing syndrome. Last evaluated: 2023-03-23. Review status: criteria provided, single submitter. Criteria: Dines et al. (Genet Med. 2020). Collection method: curation. Allele origin: germline.
Comment: Missense variant in a coldspot region where missense variants are very unlikely to be pathogenic (PMID:31911673).

BRCA2 exon 11 coldspot. Reclassification based on statistical prior probability.

Labcorp Genetics (formerly Invitae), Labcorp
Classification: Uncertain significance for Hereditary breast ovarian cancer syndrome. Last evaluated: 2022-09-13. Review status: criteria provided, single submitter. Criteria: Invitae Variant Classification Sherloc (09022015). Collection method: clinical testing. Allele origin: germline.
Comment: ClinVar contains an entry for this variant (Variation ID: 182230). This variant has not been reported in the literature in individuals affected with BRCA2-related conditions. This variant is not present in population databases (gnomAD no frequency). This sequence change replaces aspartic acid, which is acidic and polar, with histidine, which is basic and polar, at codon 2218 of the BRCA2 protein (p.Asp2218His). Advanced modeling of protein sequence and biophysical properties (such as structural, functional, and spatial information, amino acid conservation, physicochemical variation, residue mobility, and thermodynamic stability) performed at Invitae indicates that this missense variant is not expected to disrupt BRCA2 protein function. In summary, the available evidence is currently insufficient to determine the role of this variant in disease. Therefore, it has been classified as a Variant of Uncertain Significance.

GeneDx
Classification: Uncertain significance. Last evaluated: 2014-04-18. Review status: criteria provided, single submitter. Criteria: GeneDx Variant Classification (06012015). Collection method: clinical testing. Allele origin: germline. Affected: yes.
Comment: This variant is denoted BRCA2 c.6652G>C at the cDNA level, p.Asp2218His (D2218H) at the protein level, and results in the change of an Aspartic Acid to a Histidine (GAT>CAT). This variant, also known as BRCA2 c.6880G>C using alternate nomenclature, has not, to our knowledge, been published in the literature as pathogenic or benign. BRCA2 Asp2218His was not observed in approximately 6,500 individuals of European and African American ancestry in the NHLBI Exome Sequencing Project, indicating it is not a common benign variant in these populations. Since Aspartic Acid and Histidine differ in polarity, charge, size or other properties, this is considered a non-conservative amino acid substitution. BRCA2 Asp2218His occurs at a position that is moderately conserved across species and is not located in a known functional domain. In silico analyses are inconsistent regarding the effect this variant may have on protein structure and function. Based on currently available information, it is unclear whether BRCA2 Asp2218His is pathogenic or benign. We consider it to be a variant of uncertain significance.

NM_000059.4(BRCA2):c.6652G>C (p.Asp2218His)

Gene: BRCA2 (BRCA2 DNA repair associated; plus strand). Cytogenetic location: 13q13.1.
Variant type: single nucleotide variant.
Coding change: c.6652G>C on transcript NM_000059.4 (MANE Select); coding-DNA position 6652, G replaced by C.
Protein change: p.Asp2218His; replaces aspartic acid 2218 with histidine.
Molecular consequence: missense variant.
Genome position (GRCh38, 1-based): chr13:32,341,007, G>C. VCF-style: chr13-32341007-G-C. GRCh37 (hg19) VCF-style: chr13-32915144-G-C.
Other names: p.D2218H:GAT>CAT; short protein forms D2218H.
Identifiers: ClinVar variation 182230 (VCV000182230.18), dbSNP rs730881547, ClinGen allele CA024261.